The following is an entry in ClinVar:

ClinVar aggregate classification (germline): Benign/Likely benign. Review status: criteria provided, multiple submitters, no conflicts (2 of 4 stars). 6 submissions from 6 submitters: Benign (2); Likely benign (3). 1 of the submissions does not count toward it. Last evaluated 2026-02-09.

Conditions:
ASXL1-related disorder. Also called: ASXL1-related disorders; ASXL1-related condition.
Inborn genetic diseases. Identifiers: MedGen C0950123, MeSH D030342.
Bohring-Opitz syndrome. Also called: OPITZ TRIGONOCEPHALY-LIKE SYNDROME; C-LIKE SYNDROME; BOHRING SYNDROME; ASXL1-Related Bohring-Opitz Syndrome. Identifiers: Orphanet 97297, MedGen C0796232, MONDO:0011510, OMIM 605039.

Allele frequency attached by ClinVar (database versions not stated): gnomAD exomes 0.00004 and 0.00013; ExAC 0.00016; 1000 Genomes Project 30x 0.00047; TOPMed 0.00056; gnomAD 0.00057 and 0.00059; 1000 Genomes Project 0.00060; ESP Exome Variant Server 0.00062.
gnomAD v4.1: 148 of 1,613,668 alleles (0.0092%); highest among the groups gnomAD compares: African/African-American, 0.17%; no homozygotes.

Submissions (6):

Women's Health and Genetics/Laboratory Corporation of America, LabCorp
Classification: Likely benign. Last evaluated: 2026-02-09. Review status: criteria provided, single submitter. Criteria: LabCorp Variant Classification Summary - May 2015. Collection method: clinical testing. Allele origin: germline.
Comment: Variant summary: ASXL1 c.4470G>T (p.Leu1490Phe) results in a non-conservative amino acid change in the encoded protein sequence. Algorithms developed to predict the effect of missense changes on protein structure and function are either unavailable or do not agree on the potential impact of this missense change. The variant allele was found at a frequency of 0.00013 in 251250 control chromosomes, predominantly at a frequency of 0.0018 within the African or African-American subpopulation in the gnomAD database. The observed variant frequency within African or African-American control individuals in the gnomAD database exceeds the estimated maximal expected allele frequency for disease-causing variants in ASXL1. To our knowledge, no occurrence of c.4470G>T in individuals affected with ASXL1-related conditions and no experimental evidence demonstrating its impact on protein function have been reported. ClinVar contains an entry for this variant (Variation ID: 742478). Based on the evidence outlined above, the variant was classified as likely benign.

Labcorp Genetics (formerly Invitae), Labcorp
Classification: Likely benign. Last evaluated: 2026-01-05. Review status: criteria provided, single submitter. Criteria: Invitae Variant Classification Sherloc (09022015). Collection method: clinical testing. Allele origin: germline.

Ambry Genetics
Classification: Likely benign for Inborn genetic diseases. Last evaluated: 2024-10-04. Review status: criteria provided, single submitter. Criteria: Ambry Variant Classification Scheme 2023. Collection method: clinical testing. Allele origin: germline.

Genome-Nilou Lab
Classification: Benign for Bohring-Opitz syndrome. Last evaluated: 2021-12-05. Review status: criteria provided, single submitter. Criteria: ACMG Guidelines, 2015. Collection method: clinical testing. Allele origin: germline. Affected: no.

GeneDx
Classification: Benign. Last evaluated: 2020-07-14. Review status: criteria provided, single submitter. Criteria: GeneDx Variant Classification Process June 2021. Collection method: clinical testing. Allele origin: germline. Affected: yes.

PreventionGenetics, part of Exact Sciences
Classification: Likely benign for ASXL1-related condition. Last evaluated: 2019-05-20. Review status: no assertion criteria provided. Collection method: clinical testing. Allele origin: germline. Not counted in ClinVar's aggregate classification.
Comment: This variant is classified as likely benign based on ACMG/AMP sequence variant interpretation guidelines (Richards et al. 2015 PMID: 25741868, with internal and published modifications).

Literature cited by the submitters: PubMed 22489043 (cited by Women's Health and Genetics/Laboratory Corporation of America, LabCorp); PubMed 24442206 (cited by Women's Health and Genetics/Laboratory Corporation of America, LabCorp); PubMed 24458439 (cited by Women's Health and Genetics/Laboratory Corporation of America, LabCorp); PubMed 25652455 (cited by Women's Health and Genetics/Laboratory Corporation of America, LabCorp); PubMed 24695057 (cited by Women's Health and Genetics/Laboratory Corporation of America, LabCorp); PubMed 23018865 (cited by Women's Health and Genetics/Laboratory Corporation of America, LabCorp); PubMed 21881046 (cited by Women's Health and Genetics/Laboratory Corporation of America, LabCorp); PubMed 23619563 (cited by Women's Health and Genetics/Laboratory Corporation of America, LabCorp); PubMed 20880116 (cited by Women's Health and Genetics/Laboratory Corporation of America, LabCorp); PubMed 23690417 (cited by Women's Health and Genetics/Laboratory Corporation of America, LabCorp); PubMed 22031865 (cited by Women's Health and Genetics/Laboratory Corporation of America, LabCorp); PubMed 25596267 (cited by Women's Health and Genetics/Laboratory Corporation of America, LabCorp); PubMed 22058207 (cited by Women's Health and Genetics/Laboratory Corporation of America, LabCorp); PubMed 24496303 (cited by Women's Health and Genetics/Laboratory Corporation of America, LabCorp); PubMed 21576631 (cited by Women's Health and Genetics/Laboratory Corporation of America, LabCorp); PubMed 27895058 (cited by Women's Health and Genetics/Laboratory Corporation of America, LabCorp); PubMed 27276561 (cited by Women's Health and Genetics/Laboratory Corporation of America, LabCorp); PubMed 27069254 (cited by Women's Health and Genetics/Laboratory Corporation of America, LabCorp).

NM_015338.6(ASXL1):c.4470G>T (p.Leu1490Phe)

Gene: ASXL1 (ASXL transcriptional regulator 1; plus strand). Cytogenetic location: 20q11.21.
Variant type: single nucleotide variant.
Coding change: c.4470G>T on transcript NM_015338.6 (MANE Select); coding-DNA position 4470, G replaced by T.
Protein change: p.Leu1490Phe; replaces leucine 1490 with phenylalanine.
Molecular consequence: missense variant.
Genome position (GRCh38, 1-based): chr20:32,437,182, G>T. VCF-style: chr20-32437182-G-T. GRCh37 (hg19) VCF-style: chr20-31024985-G-T.
Other names: c.4287G>T, p.Leu1429Phe (NM_001363734.1); short protein forms L1490F, L1429F.
Identifiers: ClinVar variation 742478 (VCV000742478.18), dbSNP rs140896392, ClinGen allele CA9809034.
Genomic context (GRCh38, chr20:32,437,182, plus strand): 5'-TGTGGTGCAGCTGAGCCACAAAGCAAACTTTGGTGCGAGCCACAGTGCATCACTTTCCTT[G>T]CAAATGTTCACTGACAGCAGCACGGTGGAAAGCATCTCGCTCCAGTGTGCGTGCAGCCTG-3'
Protein context (NP_056153.2, residues 1480-1500): FGASHSASLS[Leu1490Phe]QMFTDSSTVE